The following is an entry in ClinVar:

ClinVar aggregate classification (germline): Benign/Likely benign. Review status: criteria provided, multiple submitters, no conflicts (2 of 4 stars). 3 submissions from 3 submitters: Benign (1); Likely benign (2). Last evaluated 2025-02-10.

Conditions:
Hereditary cancer-predisposing syndrome. Also called: Tumor predisposition; Hereditary Cancer Syndrome; Neoplastic Syndromes, Hereditary; Hereditary neoplastic syndrome. Identifiers: Orphanet 140162, MedGen C0027672, MeSH D009386, MONDO:0015356.
Familial cancer of breast. Also called: Hereditary breast cancer; BREAST CANCER, FAMILIAL; hereditary breast carcinoma. Identifiers: Orphanet 227535, MedGen C0346153, MONDO:0016419, OMIM 114480. Disease mechanism: loss of function.
Fanconi anemia complementation group J. Also called: BRIP1-Related Fanconi Anemia. Identifiers: Orphanet 84, MedGen C1836860, MONDO:0012187, OMIM 609054.

Allele frequency attached by ClinVar (database versions not stated): TOPMed below 0.00001.

Submissions (3):

Labcorp Genetics (formerly Invitae), Labcorp
Classification: Likely benign for Familial cancer of breast; Fanconi anemia complementation group J. Last evaluated: 2025-02-10. Review status: criteria provided, single submitter. Criteria: Invitae Variant Classification Sherloc (09022015). Collection method: clinical testing. Allele origin: germline.

Myriad Genetics, Inc.
Classification: Benign for Familial cancer of breast. Last evaluated: 2024-08-29. Review status: criteria provided, single submitter. Criteria: Myriad Autosomal Dominant, Autosomal Recessive and X-Linked Classification Criteria (2023). Collection method: clinical testing. Allele origin: unknown.
Comment: This variant is considered benign. This variant is a silent/synonymous amino acid change and it is not expected to impact splicing.

Ambry Genetics
Classification: Likely benign for Hereditary cancer-predisposing syndrome. Last evaluated: 2021-02-24. Review status: criteria provided, single submitter. Criteria: Ambry Variant Classification Scheme 2023. Collection method: clinical testing. Allele origin: germline.

NM_032043.3(BRIP1):c.1785T>C (p.Asn595=)

Gene: BRIP1 (BRCA1 interacting DNA helicase 1; minus strand). Cytogenetic location: 17q23.2.
Variant type: single nucleotide variant.
Coding change: c.1785T>C on transcript NM_032043.3 (MANE Select); coding-DNA position 1785, T replaced by C.
Protein change: p.Asn595=; no amino-acid change (asparagine 595 retained).
Molecular consequence: synonymous variant.
Genome position (GRCh38, 1-based): chr17:61,780,849, A>G on the plus strand (T>C on the coding strand, the complement: BRIP1 is on the minus strand). VCF-style: chr17-61780849-A-G. GRCh37 (hg19) VCF-style: chr17-59858210-A-G.
Identifiers: ClinVar variation 760625 (VCV000760625.13), dbSNP rs1603334224, ClinGen allele CA501150449.